The following is an entry in ClinVar:

ClinVar aggregate classification (germline): Pathogenic/Likely pathogenic. Review status: no assertion criteria provided (0 of 4 stars). 2 submissions from 2 submitters: Pathogenic (1); Likely pathogenic (1). Last evaluated 2022-06-01.

Conditions:
Autosomal recessive spastic paraplegia type 78. Identifiers: Orphanet 513436, MedGen C5567893, MONDO:0014975, OMIM 617225.
Kufor-Rakeb syndrome (KRS). Also called: PARKINSON DISEASE 9, AUTOSOMAL RECESSIVE, JUVENILE-ONSET. Identifiers: Orphanet 306674, Orphanet 314632, MedGen C1847640, MONDO:0011706, OMIM 606693.

Submissions (2):

Solve-RD Consortium
Classification: Likely pathogenic for Kufor-Rakeb syndrome. Last evaluated: 2022-06-01. Review status: no assertion criteria provided. Collection method: provider interpretation. Allele origin: inherited. Affected: yes.
Comment: Variant confirmed as disease-causing by referring clinical team

Variant identified during reanalysis of unsolved cases by the Solve-RD project. The Solve-RD project has received funding from the European Union’s Horizon 2020 research and innovation programme under grant agreement No 779257.

OMIM
Classification: Pathogenic for SPASTIC PARAPLEGIA 78, AUTOSOMAL RECESSIVE. Last evaluated: 2017-02-01. Review status: no assertion criteria provided. Collection method: literature only. Allele origin: germline.

Literature cited by the submitters: PubMed 39825153 (cited by Solve-RD Consortium); PubMed 28137957 (cited by OMIM).

NM_022089.4(ATP13A2):c.364C>T (p.Gln122Ter)

Gene: ATP13A2 (ATPase cation transporting 13A2; minus strand). Cytogenetic location: 1p36.13.
Variant type: single nucleotide variant.
Coding change: c.364C>T on transcript NM_022089.4 (MANE Select); coding-DNA position 364, C replaced by T.
Protein change: p.Gln122Ter; replaces glutamine 122 with a stop codon.
Molecular consequence: nonsense.
Genome position (GRCh38, 1-based): chr1:17,004,805, G>A on the plus strand (C>T on the coding strand, the complement: ATP13A2 is on the minus strand). VCF-style: chr1-17004805-G-A. GRCh37 (hg19) VCF-style: chr1-17331300-G-A.
Other names: c.364C>T, p.Gln122Ter (NM_001141973.3, NM_001141974.3); short protein forms Q122*.
Identifiers: ClinVar variation 374889 (VCV000374889.3), dbSNP rs1057519292, ClinGen allele CA16043960.